The following is an entry in ClinVar:

ClinVar aggregate classification (germline): Uncertain significance (1 of 4 stars; one submission).

Allele frequency attached by ClinVar (database versions not stated): gnomAD 0.00001.
gnomAD v4.1: 1 of 1,549,324 alleles (0.000065%); highest among the groups gnomAD compares: Non-Finnish European, 0.000087%; no homozygotes.

Submission:

Labcorp Genetics (formerly Invitae), Labcorp
Classification: Uncertain significance. Last evaluated: 2022-05-20. Review status: criteria provided, single submitter. Criteria: Invitae Variant Classification Sherloc (09022015). Collection method: clinical testing. Allele origin: germline.
Comment: This sequence change replaces glutamine, which is neutral and polar, with proline, which is neutral and non-polar, at codon 882 of the CTDP1 protein (p.Gln882Pro). This variant is present in population databases (no rsID available, gnomAD 0.007%). This variant has not been reported in the literature in individuals affected with CTDP1-related conditions. Algorithms developed to predict the effect of missense changes on protein structure and function output the following: SIFT: "Tolerated"; PolyPhen-2: "Benign"; Align-GVGD: "Class C0". The proline amino acid residue is found in multiple mammalian species, which suggests that this missense change does not adversely affect protein function. In summary, the available evidence is currently insufficient to determine the role of this variant in disease. Therefore, it has been classified as a Variant of Uncertain Significance.

NM_004715.5(CTDP1):c.2645A>C (p.Gln882Pro)

Gene: CTDP1 (CTD phosphatase subunit 1; plus strand). Cytogenetic location: 18q23.
Variant type: single nucleotide variant.
Coding change: c.2645A>C on transcript NM_004715.5 (MANE Select); coding-DNA position 2645, A replaced by C.
Protein change: p.Gln882Pro; replaces glutamine 882 with proline.
Molecular consequence: missense variant. On other transcripts: synonymous variant (1), intron variant (1).
Genome position (GRCh38, 1-based): chr18:79,736,419, A>C. VCF-style: chr18-79736419-A-C. GRCh37 (hg19) VCF-style: chr18-77496419-A-C.
Other names: c.2288A>C, p.Gln763Pro (NM_001202504.1); c.2482A>C, p.Arg828= (NM_048368.4); c.2580+7350A>C (NM_001318511.2); short protein forms Q763P, Q882P.
Identifiers: ClinVar variation 1997011 (VCV001997011.4), dbSNP rs1012061746, ClinGen allele CA402834505.